The following is an entry in ClinVar:

ClinVar aggregate classification (germline): Conflicting classifications of pathogenicity. Review status: criteria provided, conflicting classifications (1 of 4 stars). 7 submissions from 7 submitters: Uncertain significance (2); Likely benign (4). 1 of the submissions does not count toward it. Last evaluated 2026-01-19.

Conditions:
Pituitary hormone deficiency, combined, 2. Also called: ATELIOTIC DWARFISM WITH HYPOGONADISM; HANHART DWARFISM; PROP1-Related Combined Pituitary Hormone Deficiency; PITUITARY DWARFISM III. Identifiers: MedGen C0878683, MONDO:0009878, OMIM 262600.

Allele frequency attached by ClinVar (database versions not stated): gnomAD 0.00019 and 0.00023; TOPMed 0.00026; gnomAD exomes 0.00027; ESP Exome Variant Server 0.00031.
gnomAD v4.1: 495 of 1,613,594 alleles (0.031%); highest among the groups gnomAD compares: Middle Eastern, 0.066%; 1 homozygote.

Submissions (7):

Labcorp Genetics (formerly Invitae), Labcorp
Classification: Likely benign. Last evaluated: 2026-01-19. Review status: criteria provided, single submitter. Criteria: Invitae Variant Classification Sherloc (09022015). Collection method: clinical testing. Allele origin: germline.

Blueprint Genetics
Classification: Likely benign. Last evaluated: 2024-11-20. Review status: criteria provided, single submitter. Criteria: ACMG Guidelines, 2015. Collection method: clinical testing. Allele origin: germline.

Women's Health and Genetics/Laboratory Corporation of America, LabCorp
Classification: Likely benign. Last evaluated: 2024-03-13. Review status: criteria provided, single submitter. Criteria: LabCorp Variant Classification Summary - May 2015. Collection method: clinical testing. Allele origin: germline.
Comment: Variant summary: PROP1 c.96G>A alters a non-conserved nucleotide resulting in a synonymous change. Consensus agreement among computation tools predict no significant impact on normal splicing. However, these predictions have yet to be confirmed by functional studies. The variant allele was found at a frequency of 0.00027 in 251186 control chromosomes. This frequency does not allow conclusion about variant significance. To our knowledge, no occurrence of c.96G>A in individuals affected with Combined Pituitary Hormone Deficiency and no experimental evidence demonstrating its impact on protein function have been reported. ClinVar contains an entry for this variant (Variation ID: 193335). Based on the evidence outlined above, the variant was classified as likely benign.

CeGaT Center for Human Genetics Tuebingen
Classification: Likely benign. Last evaluated: 2023-07-01. Review status: criteria provided, single submitter. Criteria: CeGaT Center For Human Genetics Tuebingen Variant Classification Criteria Version 2. Collection method: clinical testing. Allele origin: germline. Affected: yes. Observed: 1 variant allele.
Comment: PROP1: BP4, BP7

Illumina Laboratory Services, Illumina
Classification: Uncertain significance for Pituitary hormone deficiency, combined, 2. Last evaluated: 2018-01-12. Review status: criteria provided, single submitter. Criteria: ICSL Variant Classification Criteria 13 December 2019. Collection method: clinical testing. Allele origin: germline.

Eurofins Ntd Llc (ga)
Classification: Uncertain significance. Last evaluated: 2014-09-16. Review status: criteria provided, single submitter. Criteria: EGL Classification Definitions 2015. Collection method: clinical testing. Allele origin: germline. Observed: 1 variant allele, 1 heterozygote.

Natera, Inc.
Classification: Likely benign for Combined pituitary hormone deficiency type 2. Last evaluated: 2020-01-04. Review status: no assertion criteria provided. Collection method: clinical testing. Allele origin: germline. Not counted in ClinVar's aggregate classification.

NM_006261.5(PROP1):c.96G>A (p.Pro32=)

Gene: PROP1 (PROP paired-like homeobox 1; minus strand). Cytogenetic location: 5q35.3.
Variant type: single nucleotide variant.
Coding change: c.96G>A on transcript NM_006261.5 (MANE Select); coding-DNA position 96, G replaced by A.
Protein change: p.Pro32=; no amino-acid change (proline 32 retained).
Molecular consequence: synonymous variant.
Genome position (GRCh38, 1-based): chr5:177,995,838, C>T on the plus strand (G>A on the coding strand, the complement: PROP1 is on the minus strand). VCF-style: chr5-177995838-C-T. GRCh37 (hg19) VCF-style: chr5-177422839-C-T.
Identifiers: ClinVar variation 193335 (VCV000193335.49), dbSNP rs144314831, ClinGen allele CA238853.